The following is an entry in ClinVar:

ClinVar aggregate classification (germline): Uncertain significance. Review status: criteria provided, multiple submitters, no conflicts (2 of 4 stars). 2 submissions from 2 submitters: Uncertain significance (2). Last evaluated 2022-12-13.

Allele frequency attached by ClinVar (database versions not stated): gnomAD exomes below 0.00001.
gnomAD v4.1: 3 of 1,580,810 alleles (0.00019%); highest among the groups gnomAD compares: Non-Finnish European, 0.00026%; no homozygotes.

Submissions (2):

Ambry Genetics
Classification: Uncertain significance. Last evaluated: 2022-12-13. Review status: criteria provided, single submitter. Criteria: Ambry Variant Classification Scheme 2023. Collection method: clinical testing. Allele origin: germline.

Labcorp Genetics (formerly Invitae), Labcorp
Classification: Uncertain significance. Last evaluated: 2022-05-29. Review status: criteria provided, single submitter. Criteria: Invitae Variant Classification Sherloc (09022015). Collection method: clinical testing. Allele origin: germline.
Comment: This sequence change replaces methionine, which is neutral and non-polar, with isoleucine, which is neutral and non-polar, at codon 93 of the IDH3A protein (p.Met93Ile). This variant is present in population databases (no rsID available, gnomAD 0.002%). This variant has not been reported in the literature in individuals affected with IDH3A-related conditions. Algorithms developed to predict the effect of missense changes on protein structure and function (SIFT, PolyPhen-2, Align-GVGD) all suggest that this variant is likely to be tolerated. Algorithms developed to predict the effect of sequence changes on RNA splicing suggest that this variant may disrupt the consensus splice site. In summary, the available evidence is currently insufficient to determine the role of this variant in disease. Therefore, it has been classified as a Variant of Uncertain Significance.

NM_005530.3(IDH3A):c.279G>A (p.Met93Ile)

Gene: IDH3A (isocitrate dehydrogenase (NAD(+)) 3 catalytic subunit alpha; plus strand). Cytogenetic location: 15q25.1.
Variant type: single nucleotide variant.
Coding change: c.279G>A on transcript NM_005530.3 (MANE Select); coding-DNA position 279, G replaced by A.
Protein change: p.Met93Ile; replaces methionine 93 with isoleucine.
Molecular consequence: missense variant.
Genome position (GRCh38, 1-based): chr15:78,160,196, G>A. VCF-style: chr15-78160196-G-A. GRCh37 (hg19) VCF-style: chr15-78452538-G-A.
Other names: short protein forms M93I.
Identifiers: ClinVar variation 1957853 (VCV001957853.3), dbSNP rs1302221766, ClinGen allele CA393541805.
Genomic context (GRCh38, chr15:78,160,196, plus strand): 5'-ACCTGGAGGAAAGTGGATGATCCCTTCAGAGGCTAAAGAGTCCATGGATAAGAACAAGAT[G>A]GGCTTGAAAGGTAGCACTGAAGTAGAGACGGGGGTTTTTACAGATTTCCGCTACAGGGGT-3'
Protein context (NP_005521.1, residues 83-103): EAKESMDKNK[Met93Ile]GLKGPLKTPI